The following is an entry in ClinVar:

NM_032520.5(GNPTG):c.53-1G>A

Genes: GNPTG (N-acetylglucosamine-1-phosphate transferase subunit gamma; plus strand), LOC130058158 (ATAC-STARR-seq lymphoblastoid silent region 6972; plus strand). Cytogenetic location: 16p13.3.
Variant type: single nucleotide variant.
Coding change: c.53-1G>A on transcript NM_032520.5 (MANE Select); the canonical splice acceptor site of the intron before coding-DNA position 53, G replaced by A.
Molecular consequence: splice acceptor variant.
Genome position (GRCh38, 1-based): chr16:1,352,101, G>A. VCF-style: chr16-1352101-G-A. GRCh37 (hg19) VCF-style: chr16-1402102-G-A.
Identifiers: ClinVar variation 3688224 (VCV003688224.2).

ClinVar aggregate classification (germline): Likely pathogenic (1 of 4 stars; one submission).

Submission:

Labcorp Genetics (formerly Invitae), Labcorp
Classification: Likely pathogenic. Last evaluated: 2024-03-15. Review status: criteria provided, single submitter. Criteria: Invitae Variant Classification Sherloc (09022015). Collection method: clinical testing. Allele origin: germline.
Comment: This sequence change affects an acceptor splice site in intron 1 of the GNPTG gene. It is expected to disrupt RNA splicing. Variants that disrupt the donor or acceptor splice site typically lead to a loss of protein function (PMID: 16199547), and loss-of-function variants in GNPTG are known to be pathogenic (PMID: 19370764, 20301784). This variant is not present in population databases (gnomAD no frequency). This variant has not been reported in the literature in individuals affected with GNPTG-related conditions. Algorithms developed to predict the effect of sequence changes on RNA splicing suggest that this variant may disrupt the consensus splice site. In summary, the currently available evidence indicates that the variant is pathogenic, but additional data are needed to prove that conclusively. Therefore, this variant has been classified as Likely Pathogenic.

Literature cited by the submitters: PubMed 16199547; PubMed 19370764; PubMed 20301784.